The following is an entry in ClinVar:

NM_007294.4(BRCA1):c.310dup (p.Ser104fs)

Gene: BRCA1 (BRCA1 DNA repair associated; minus strand). Cytogenetic location: 17q21.31.
Variant type: Duplication.
Coding change: c.310dup on transcript NM_007294.4 (MANE Select); coding-DNA position 310, one base duplicated (A; older notation c.310dupA).
Protein change: p.Ser104fs; shifts the reading frame from serine 104.
Molecular consequence: frameshift variant. On other transcripts: non-coding transcript variant (1).
Genome position (GRCh38, 1-based): chr17:43,104,253, T duplicated on the plus strand (A on the coding strand, the reverse complement: BRCA1 is on the minus strand). VCF-style (leftmost placement, unchanged base first): chr17-43104252-C-CT. GRCh37 (hg19) VCF-style: chr17-41256269-C-CT.
Other names: c.310dupA (NM_007294.3); c.100dup, p.Ser34Lysfs (NM_001407571.1, NM_001407853.1, NM_001407879.1 and 58 more transcripts); c.310dup, p.Ser104Lysfs (NM_001407581.1, NM_001407582.1, NM_001407583.1 and 163 more transcripts); c.301dup, p.Ser101Lysfs (NM_001407646.1, NM_001407647.1, NM_001408408.1); c.232dup, p.Ser78Lysfs (NM_001407653.1, NM_001407654.1, NM_001407655.1 and 21 more transcripts); c.169dup, p.Ser57Lysfs (NM_001407692.1, NM_001407694.1, NM_001407695.1 and 98 more transcripts); c.-72dup (NM_001407959.1, NM_001407960.1, NM_001407962.1 and 4 more transcripts); c.178dup, p.Ser60Lysfs (NM_001408451.1); and 2 more; short protein forms S57fs, S104fs.
Identifiers: ClinVar variation 418681 (VCV000418681.4), dbSNP rs1555596484, ClinGen allele CA16620447.
Genomic context (GRCh38, chr17:43,104,252, plus strand): 5'-ATAGAAACTTCATCTTTTAGATGTTCAGGAGAGTTATTTTCCTTTTTTGCAAAATTATAG[C>CT]TGTTTGCATCTGTAAAATACAAGGGAAAACATTATGTTTGCAGTTAGAGAAAAATGTATG-3'

ClinVar aggregate classification (germline): Pathogenic. Review status: reviewed by expert panel (3 of 4 stars). 2 submissions from 2 submitters: Pathogenic (1). 1 of the submissions does not count toward it. Last evaluated 2017-12-15.

Conditions:
Breast-ovarian cancer, familial, susceptibility to, 1 (BROVCA1). Also called: BRCA1 Hereditary Breast and Ovarian Cancer; OVARIAN CANCER, SUSCEPTIBILITY TO. Identifiers: Orphanet 145, MedGen C2676676, MONDO:0011450, OMIM 604370. Disease mechanism: loss of function.

Submissions (2):

Evidence-based Network for the Interpretation of Germline Mutant Alleles (ENIGMA)
Classification: Pathogenic for Breast-ovarian cancer, familial, susceptibility to, 1. Last evaluated: 2017-12-15. Review status: reviewed by expert panel. Criteria: ENIGMA BRCA1/2 Classification Criteria (2017-06-29). Collection method: curation. Allele origin: germline. Study: ENIGMA.
Comment: Variant allele predicted to encode a truncated non-functional protein.

GeneDx
Classification: Pathogenic. Last evaluated: 2015-03-17. Review status: criteria provided, single submitter. Criteria: GeneDx Variant Classification (06012015). Collection method: clinical testing. Allele origin: germline. Affected: yes. Not counted in ClinVar's aggregate classification.
Comment: This duplication of one nucleotide in BRCA1 is denoted c.310dupA at the cDNA level and p.Ser104LysfsX3 (S104KfsX3) at the protein level. Using alternate nomenclature, this variant would be defined as BRCA1 429dupA. The surrounding sequence is AAAC[dupA]GCTA. The duplication causes a frameshift, which changes a Serine to a Lysine at codon 104, and creates a premature stop codon at position 3 of the new reading frame. Although this variant has not, to our knowledge, been reported in the literature, it is predicted to cause loss of normal protein function through either protein truncation or nonsense-mediated mRNA decay. we consider this variant to be pathogenic.